The following is an entry in ClinVar:

ClinVar aggregate classification (germline): Uncertain significance (1 of 4 stars; one submission).

Allele frequency attached by ClinVar (database versions not stated): gnomAD exomes 0.00003; TOPMed 0.00001.
gnomAD v4.1: 13 of 673,468 alleles (0.0019%); highest among the groups gnomAD compares: Non-Finnish European, 0.00083%; no homozygotes.

Submission:

CeGaT Center for Human Genetics Tuebingen
Classification: Uncertain significance. Last evaluated: 2023-09-01. Review status: criteria provided, single submitter. Criteria: CeGaT Center For Human Genetics Tuebingen Variant Classification Criteria Version 2. Collection method: clinical testing. Allele origin: germline. Affected: yes. Observed: 1 variant allele.
Comment: NLRC4: PM2, PP3

NM_001199138.2(NLRC4):c.-118-3C>G

Gene: NLRC4 (NLR family CARD domain containing 4; minus strand). Cytogenetic location: 2p22.3.
Variant type: single nucleotide variant.
Coding change: c.-118-3C>G on transcript NM_001199138.2 (MANE Select); 3 bases into the intron before 118 bases upstream of the start codon, C replaced by G.
Molecular consequence: intron variant.
Genome position (GRCh38, 1-based): chr2:32,256,896, G>C on the plus strand (C>G on the coding strand, the complement: NLRC4 is on the minus strand). VCF-style: chr2-32256896-G-C. GRCh37 (hg19) VCF-style: chr2-32481965-G-C.
Other names: c.-118-3C>G (NM_001302504.1, NM_021209.4, NM_001199139.1).
Identifiers: ClinVar variation 2650809 (VCV002650809.24), dbSNP rs1178530025, ClinGen allele CA531505780.